The following is an entry in ClinVar:

ClinVar aggregate classification (germline): Uncertain significance (1 of 4 stars; one submission).

Conditions:
Perlman syndrome (PRLMNS). Identifiers: Orphanet 2849, MedGen C0796113, MONDO:0009965, OMIM 267000.

Allele frequency attached by ClinVar (database versions not stated): gnomAD exomes below 0.00001.
gnomAD v4.1: 1 of 1,609,590 alleles (0.000062%); highest among the groups gnomAD compares: African/African-American, 0.0013%; no homozygotes.

Submission:

Labcorp Genetics (formerly Invitae), Labcorp
Classification: Uncertain significance for Perlman syndrome. Last evaluated: 2023-06-27. Review status: criteria provided, single submitter. Criteria: Invitae Variant Classification Sherloc (09022015). Collection method: clinical testing. Allele origin: germline.
Comment: In summary, the available evidence is currently insufficient to determine the role of this variant in disease. Therefore, it has been classified as a Variant of Uncertain Significance. Variants that disrupt the consensus splice site are a relatively common cause of aberrant splicing (PMID: 17576681, 9536098). Algorithms developed to predict the effect of sequence changes on RNA splicing suggest that this variant is not likely to affect RNA splicing. ClinVar contains an entry for this variant (Variation ID: 2099239). This variant has not been reported in the literature in individuals affected with DIS3L2-related conditions. This variant is not present in population databases (gnomAD no frequency). This sequence change affects codon 122 of the DIS3L2 mRNA. It is a 'silent' change, meaning that it does not change the encoded amino acid sequence of the DIS3L2 protein. This variant also falls at the last nucleotide of exon 5, which is part of the consensus splice site for this exon.

Literature cited by the submitters: PubMed 17576681; PubMed 9536098.

NM_152383.5(DIS3L2):c.366G>A (p.Lys122=)

Gene: DIS3L2 (DIS3 like 3'-5' exoribonuclease 2; plus strand). Cytogenetic location: 2q37.1.
Variant type: single nucleotide variant.
Coding change: c.366G>A on transcript NM_152383.5 (MANE Select); coding-DNA position 366, G replaced by A.
Protein change: p.Lys122=; no amino-acid change (lysine 122 retained).
Molecular consequence: synonymous variant. On other transcripts: non-coding transcript variant (2).
Genome position (GRCh38, 1-based): chr2:232,030,080, G>A. VCF-style: chr2-232030080-G-A. GRCh37 (hg19) VCF-style: chr2-232894790-G-A.
Other names: c.366G>A, p.Lys122= (NM_001257281.2, NM_001257282.2).
Identifiers: ClinVar variation 2099239 (VCV002099239.4), dbSNP rs1261091948, ClinGen allele CA431909134.